The following is an entry in ClinVar:

NM_000153.4(GALC):c.103G>A (p.Ala35Thr)

Gene: GALC (galactosylceramidase; minus strand). Cytogenetic location: 14q31.3.
Variant type: single nucleotide variant.
Coding change: c.103G>A on transcript NM_000153.4 (MANE Select); coding-DNA position 103, G replaced by A.
Protein change: p.Ala35Thr; replaces alanine 35 with threonine.
Molecular consequence: missense variant. On other transcripts: intron variant (1).
Genome position (GRCh38, 1-based): chr14:87,993,062, C>T on the plus strand (G>A on the coding strand, the complement: GALC is on the minus strand). VCF-style: chr14-87993062-C-T. GRCh37 (hg19) VCF-style: chr14-88459406-C-T.
Other names: c.103G>A, p.Ala35Thr (NM_001201401.2); c.117+321G>A (NM_001201402.2); short protein forms A35T.
Identifiers: ClinVar variation 1501125 (VCV001501125.6), dbSNP rs1359964555, ClinGen allele CA390771846.

ClinVar aggregate classification (germline): Uncertain significance (1 of 4 stars; one submission).

Conditions:
Galactosylceramide beta-galactosidase deficiency. Also called: Krabbe Disease; Leukodystrophy, Globoid Cell; GALACTOCEREBROSIDASE DEFICIENCY; GALC DEFICIENCY; GLOBOID CELL LEUKOENCEPHALOPATHY. Identifiers: Orphanet 487, MedGen C0023521, MONDO:0009499, OMIM 245200.

gnomAD v4.1: 1 of 1,574,834 alleles (0.000063%); highest among the groups gnomAD compares: East Asian, 0.0023%; no homozygotes.

Submission:

Labcorp Genetics (formerly Invitae), Labcorp
Classification: Uncertain significance for Galactosylceramide beta-galactosidase deficiency. Last evaluated: 2025-05-14. Review status: criteria provided, single submitter. Criteria: Invitae Variant Classification Sherloc (09022015). Collection method: clinical testing. Allele origin: germline.
Comment: This sequence change replaces alanine, which is neutral and non-polar, with threonine, which is neutral and polar, at codon 35 of the GALC protein (p.Ala35Thr). This variant is not present in population databases (gnomAD no frequency). This variant has not been reported in the literature in individuals affected with GALC-related conditions. ClinVar contains an entry for this variant (Variation ID: 1501125). Invitae Evidence Modeling of protein sequence and biophysical properties (such as structural, functional, and spatial information, amino acid conservation, physicochemical variation, residue mobility, and thermodynamic stability) indicates that this missense variant is not expected to disrupt GALC protein function with a negative predictive value of 95%. In summary, the available evidence is currently insufficient to determine the role of this variant in disease. Therefore, it has been classified as a Variant of Uncertain Significance.